The following is an entry in ClinVar:

ClinVar aggregate classification (germline): Benign/Likely benign. Review status: criteria provided, multiple submitters, no conflicts (2 of 4 stars). 2 submissions from 2 submitters: Benign (1); Likely benign (1). Last evaluated 2024-09-24.

Conditions:
Familial melanoma. Also called: Hereditary melanoma; Hereditary cutaneous melanoma. Identifiers: Orphanet 618, MedGen C1512419, MONDO:0018961.
Melanoma, cutaneous malignant, susceptibility to, 3. Also called: Cutaneous malignant melanoma 3. Identifiers: Orphanet 618, MedGen C1836892, MONDO:0012183, OMIM 609048.

Submissions (2):

Myriad Genetics, Inc.
Classification: Benign for Melanoma, cutaneous malignant, susceptibility to, 3. Last evaluated: 2024-09-24. Review status: criteria provided, single submitter. Criteria: Myriad Autosomal Dominant, Autosomal Recessive and X-Linked Classification Criteria (2023). Collection method: clinical testing. Allele origin: unknown.
Comment: This variant is considered benign. This variant is a silent/synonymous amino acid change and it is not expected to impact splicing.

Labcorp Genetics (formerly Invitae), Labcorp
Classification: Likely benign for Familial melanoma. Last evaluated: 2024-02-17. Review status: criteria provided, single submitter. Criteria: Invitae Variant Classification Sherloc (09022015). Collection method: clinical testing. Allele origin: germline.

NM_000075.4(CDK4):c.81C>T (p.His27=)

Gene: CDK4 (cyclin dependent kinase 4; minus strand). Cytogenetic location: 12q14.1.
Variant type: single nucleotide variant.
Coding change: c.81C>T on transcript NM_000075.4 (MANE Select); coding-DNA position 81, C replaced by T.
Protein change: p.His27=; no amino-acid change (histidine 27 retained).
Molecular consequence: synonymous variant.
Genome position (GRCh38, 1-based): chr12:57,751,637, G>A on the plus strand (C>T on the coding strand, the complement: CDK4 is on the minus strand). VCF-style: chr12-57751637-G-A. GRCh37 (hg19) VCF-style: chr12-58145420-G-A.
Identifiers: ClinVar variation 3020162 (VCV003020162.4), dbSNP rs2140388556, ClinGen allele CA480404906.